The following is an entry in ClinVar:

NM_001252024.2(TRPM1):c.1213C>T (p.Arg405Cys)

Gene: TRPM1 (transient receptor potential cation channel subfamily M member 1; minus strand). Cytogenetic location: 15q13.3.
Variant type: single nucleotide variant.
Coding change: c.1213C>T on transcript NM_001252024.2 (MANE Select); coding-DNA position 1213, C replaced by T.
Protein change: p.Arg405Cys; replaces arginine 405 with cysteine.
Molecular consequence: missense variant.
Genome position (GRCh38, 1-based): chr15:31,060,594, G>A on the plus strand (C>T on the coding strand, the complement: TRPM1 is on the minus strand). VCF-style: chr15-31060594-G-A. GRCh37 (hg19) VCF-style: chr15-31352797-G-A.
Other names: c.1264C>T, p.Arg422Cys (NM_001252020.2); c.1147C>T, p.Arg383Cys (NM_002420.6); short protein forms R422C, R405C, R383C.
Identifiers: ClinVar variation 967079 (VCV000967079.8), dbSNP rs771852651, ClinGen allele CA7452649.

ClinVar aggregate classification (germline): Uncertain significance. Review status: criteria provided, multiple submitters, no conflicts (2 of 4 stars). 2 submissions from 2 submitters: Uncertain significance (2). Last evaluated 2024-10-25.

Allele frequency attached by ClinVar (database versions not stated): gnomAD exomes 0.00001 and 0.00004; gnomAD 0.00003; TOPMed 0.00003; ExAC 0.00006.

Submissions (2):

Labcorp Genetics (formerly Invitae), Labcorp
Classification: Uncertain significance. Last evaluated: 2024-10-25. Review status: criteria provided, single submitter. Criteria: Invitae Variant Classification Sherloc (09022015). Collection method: clinical testing. Allele origin: germline.
Comment: This sequence change replaces arginine, which is basic and polar, with cysteine, which is neutral and slightly polar, at codon 383 of the TRPM1 protein (p.Arg383Cys). This variant is present in population databases (rs771852651, gnomAD 0.03%). This variant has not been reported in the literature in individuals affected with TRPM1-related conditions. ClinVar contains an entry for this variant (Variation ID: 967079). Invitae Evidence Modeling of protein sequence and biophysical properties (such as structural, functional, and spatial information, amino acid conservation, physicochemical variation, residue mobility, and thermodynamic stability) has been performed for this missense variant. However, the output from this modeling did not meet the statistical confidence thresholds required to predict the impact of this variant on TRPM1 protein function. In summary, the available evidence is currently insufficient to determine the role of this variant in disease. Therefore, it has been classified as a Variant of Uncertain Significance.

Blueprint Genetics
Classification: Uncertain significance. Last evaluated: 2021-08-15. Review status: criteria provided, single submitter. Criteria: ACMG Guidelines, 2015. Collection method: clinical testing. Allele origin: germline.